The following is an entry in ClinVar:

NM_004655.4(AXIN2):c.333G>A (p.Trp111Ter)

Gene: AXIN2 (axin 2; minus strand). Cytogenetic location: 17q24.1.
Variant type: single nucleotide variant.
Coding change: c.333G>A on transcript NM_004655.4 (MANE Select); coding-DNA position 333, G replaced by A.
Protein change: p.Trp111Ter; replaces tryptophan 111 with a stop codon.
Molecular consequence: nonsense.
Genome position (GRCh38, 1-based): chr17:65,558,288, C>T on the plus strand (G>A on the coding strand, the complement: AXIN2 is on the minus strand). VCF-style: chr17-65558288-C-T. GRCh37 (hg19) VCF-style: chr17-63554406-C-T.
Other names: c.333G>A (LRG_296t1); c.333G>A, p.Trp111Ter (NM_001363813.1); short protein forms W111*.
Identifiers: ClinVar variation 664578 (VCV000664578.1), dbSNP rs1598119889, ClinGen allele CA400681629.

ClinVar aggregate classification (germline): Pathogenic (1 of 4 stars; one submission).

Conditions:
Oligodontia-cancer predisposition syndrome. Also called: TOOTH AGENESIS-COLORECTAL CANCER SYNDROME. Identifiers: Orphanet 300576, MedGen C1837750, MONDO:0012075, OMIM 608615. Disease mechanism: loss of function.

Submission:

Labcorp Genetics (formerly Invitae), Labcorp
Classification: Pathogenic for Oligodontia-colorectal cancer syndrome. Last evaluated: 2018-07-24. Review status: criteria provided, single submitter. Criteria: Invitae Variant Classification Sherloc (09022015). Collection method: clinical testing. Allele origin: germline.
Comment: This sequence change creates a premature translational stop signal (p.Trp111*) in the AXIN2 gene. It is expected to result in an absent or disrupted protein product. This variant is not present in population databases (ExAC no frequency). This variant has not been reported in the literature in individuals with AXIN2-related disease. Loss-of-function variants in AXIN2 are known to be pathogenic (PMID: 15042511, 21416598). For these reasons, this variant has been classified as Pathogenic.